The following is an entry in ClinVar:

NM_001172.4(ARG2):c.924G>A (p.Ala308=)

Genes: ARG2 (arginase 2; plus strand), GPHN (gephyrin; plus strand), VTI1B (vesicle transport through interaction with t-SNAREs 1B; minus strand). Cytogenetic location: 14q24.1.
Variant type: single nucleotide variant.
Coding change: c.924G>A on transcript NM_001172.4 (MANE Select); coding-DNA position 924, G replaced by A.
Protein change: p.Ala308=; no amino-acid change (alanine 308 retained).
Molecular consequence: synonymous variant. On other transcripts: 3 prime UTR variant (1).
Genome position (GRCh38, 1-based): chr14:67,650,779, G>A. VCF-style: chr14-67650779-G-A. GRCh37 (hg19) VCF-style: chr14-68117496-G-A.
Other names: c.*606C>T (NM_006370.3).
Identifiers: ClinVar variation 770239 (VCV000770239.28), dbSNP rs45584632, ClinGen allele CA7237963.

ClinVar aggregate classification (germline): Benign/Likely benign. Review status: criteria provided, multiple submitters, no conflicts (2 of 4 stars). 3 submissions from 3 submitters: Benign (2); Likely benign (1). Last evaluated 2022-10-01.

Allele frequency attached by ClinVar (database versions not stated): 1000 Genomes Project 0.00140; ExAC 0.00166; 1000 Genomes Project 30x 0.00172; gnomAD exomes 0.00172 and 0.00180; ESP Exome Variant Server 0.00192; gnomAD 0.00206 and 0.00210; TOPMed 0.00228.
gnomAD v4.1: 2,996 of 1,614,122 alleles (0.19%); highest among the groups gnomAD compares: Middle Eastern, 0.66%; 7 homozygotes.

Submissions (3):

CeGaT Center for Human Genetics Tuebingen
Classification: Likely benign. Last evaluated: 2022-10-01. Review status: criteria provided, single submitter. Criteria: CeGaT Center For Human Genetics Tuebingen Variant Classification Criteria Version 2. Collection method: clinical testing. Allele origin: germline. Affected: yes. Observed: 1 variant allele.
Comment: ARG2: BP4, BP7

Labcorp Genetics (formerly Invitae), Labcorp
Classification: Benign. Last evaluated: 2018-07-16. Review status: criteria provided, single submitter. Criteria: Invitae Variant Classification Sherloc (09022015). Collection method: clinical testing. Allele origin: germline.

Breakthrough Genomics
Classification: Benign. Review status: criteria provided, single submitter. Criteria: ACMG Guidelines, 2015. Collection method: not provided. Allele origin: germline. Inheritance: Unknown mechanism. Affected: yes.